The following is an entry in ClinVar:

ClinVar aggregate classification (germline): Benign. Review status: criteria provided, multiple submitters, no conflicts (2 of 4 stars). 13 submissions from 13 submitters: Benign (11). 2 of the submissions do not count toward it. Last evaluated 2026-02-04.

Conditions:
Hypokalemic periodic paralysis, type 1. Also called: Hypokalemic Periodic Paralysis Type 1 (AD); HypoPP. Identifiers: Orphanet 681, MedGen C3714580, MONDO:0042979, OMIM 170400.
Malignant hyperthermia, susceptibility to, 5 (MHS5). Also called: CACNA1S-Related Malignant Hyperthermia Susceptibility. Identifiers: Orphanet 423, MedGen C1866077, MONDO:0011163, OMIM 601887.

Allele frequency attached by ClinVar (database versions not stated): 1000 Genomes Project 0.57109; gnomAD exomes 0.57932; ExAC 0.58393; 1000 Genomes Project 30x 0.58651; gnomAD 0.68477 and 0.70571; TOPMed 0.71006; ESP Exome Variant Server 0.73604.
gnomAD v4.1: 1,024,076 of 1,613,174 alleles (63%); highest among the groups gnomAD compares: African/African-American, 90%; 337,643 homozygotes.

Submissions (13):

Labcorp Genetics (formerly Invitae), Labcorp
Classification: Benign for Hypokalemic periodic paralysis, type 1; Malignant hyperthermia, susceptibility to, 5. Last evaluated: 2026-02-04. Review status: criteria provided, single submitter. Criteria: Invitae Variant Classification Sherloc (09022015). Collection method: clinical testing. Allele origin: germline.

Blueprint Genetics
Classification: Benign. Last evaluated: 2024-11-26. Review status: criteria provided, single submitter. Criteria: ACMG Guidelines, 2015. Collection method: clinical testing. Allele origin: germline.

Mayo Clinic Laboratories, Mayo Clinic
Classification: Benign. Last evaluated: 2023-12-12. Review status: criteria provided, single submitter. Criteria: ACMG Guidelines, 2015. Collection method: clinical testing. Allele origin: germline. Observed: 486 variant alleles.

Genome-Nilou Lab
Classification: Benign for Hypokalemic periodic paralysis, type 1. Last evaluated: 2021-07-14. Review status: criteria provided, single submitter. Criteria: ACMG Guidelines, 2015. Collection method: clinical testing. Allele origin: germline. Affected: no.

Athena Diagnostics
Classification: Benign. Last evaluated: 2021-06-22. Review status: criteria provided, single submitter. Criteria: Athena Diagnostics Criteria. Collection method: clinical testing. Allele origin: unknown.

Color Diagnostics, LLC DBA Color Health
Classification: Benign for Malignant hyperthermia, susceptibility to, 5. Last evaluated: 2019-03-28. Review status: criteria provided, single submitter. Criteria: ACMG Guidelines, 2015. Collection method: clinical testing. Allele origin: germline.

Illumina Laboratory Services, Illumina
Classification: Benign for Hypokalemic periodic paralysis, type 1. Last evaluated: 2017-04-27. Review status: criteria provided, single submitter. Criteria: ICSL Variant Classification Criteria 13 December 2019. Collection method: clinical testing. Allele origin: germline.
Comment: This variant was observed as part of a predisposition screen in an ostensibly healthy population. A literature search was performed for the gene, cDNA change, and amino acid change (where applicable). Publications were found based on this search. The evidence from the literature, in combination with allele frequency data from public databases where available, was sufficient to rule this variant out of causing disease. Therefore, this variant is classified as benign.

Women's Health and Genetics/Laboratory Corporation of America, LabCorp
Classification: Benign. Last evaluated: 2016-02-11. Review status: criteria provided, single submitter. Criteria: LabCorp Variant Classification Summary - May 2015. Collection method: clinical testing. Allele origin: germline.
Comment: Variant summary: c.1551T>C affects a non-conserved nucleotide, resulting in a synonymous change. Mutation taster predicts this variant to be benign. 4/5 in silico tools via Alamut predict no change on RNA splicing site and ESEfinder predicts a gain of binding motif for splicing enhancer. This variant was found in 70806/121258 control chromosomes (with 22620 homozygotes) from ExAC at a frequency of 0.5839285, which significantly exceeds the maximal expected frequency of a pathogenic allele (0.0000013), suggesting this variant is a benign polymorphism. Taken together, considering the high frequency in controls and lack of predicted effect on splicing, this variant was classified as Benign.

GeneDx
Classification: Benign. Last evaluated: 2015-03-03. Review status: criteria provided, single submitter. Criteria: GeneDx Variant Classification Process June 2021. Collection method: clinical testing. Allele origin: germline. Affected: yes.
Comment: This variant is associated with the following publications: (PMID: 11940049)

Breakthrough Genomics
Classification: Benign. Review status: criteria provided, single submitter. Criteria: ACMG Guidelines, 2015. Collection method: not provided. Allele origin: germline. Inheritance: Autosomal dominant inheritance. Affected: yes.

PreventionGenetics, part of Exact Sciences
Classification: Benign. Review status: criteria provided, single submitter. Criteria: ACMG Guidelines, 2015. Collection method: clinical testing. Allele origin: germline.

Diagnostic Laboratory, Department of Genetics, University Medical Center Groningen
Classification: Benign. Review status: no assertion criteria provided. Collection method: clinical testing. Allele origin: germline. Affected: yes. Study: VKGL Data-share Consensus. Not counted in ClinVar's aggregate classification.

Joint Genome Diagnostic Labs from Nijmegen and Maastricht, Radboudumc and MUMC+
Classification: Benign. Review status: no assertion criteria provided. Collection method: clinical testing. Allele origin: germline. Affected: yes. Study: VKGL Data-share Consensus. Not counted in ClinVar's aggregate classification.

Literature cited by the submitters: PubMed 11940049 (cited by Mayo Clinic Laboratories, Mayo Clinic); PubMed 18325191 (cited by Illumina Laboratory Services, Illumina).

NM_000069.3(CACNA1S):c.1551T>C (p.Gly517=)

Gene: CACNA1S (calcium voltage-gated channel subunit alpha1 S; minus strand). Cytogenetic location: 1q32.1.
Variant type: single nucleotide variant.
Coding change: c.1551T>C on transcript NM_000069.3 (MANE Select); coding-DNA position 1551, T replaced by C.
Protein change: p.Gly517=; no amino-acid change (glycine 517 retained).
Molecular consequence: synonymous variant.
Genome position (GRCh38, 1-based): chr1:201,077,947, A>G on the plus strand (T>C on the coding strand, the complement: CACNA1S is on the minus strand). VCF-style: chr1-201077947-A-G. GRCh37 (hg19) VCF-style: chr1-201047075-A-G.
Other names: p.Gly517=.
Identifiers: ClinVar variation 254800 (VCV000254800.30), dbSNP rs4915477, ClinGen allele CA078394.